The following is an entry in ClinVar:

ClinVar aggregate classification (germline): Uncertain significance (1 of 4 stars; one submission).

gnomAD v4.1: 1 of 1,611,044 alleles (0.000062%); no homozygotes.

Submission:

Ambry Genetics
Classification: Uncertain significance. Last evaluated: 2023-12-10. Review status: criteria provided, single submitter. Criteria: Ambry Variant Classification Scheme 2023. Collection method: clinical testing. Allele origin: germline.
Comment: The p.T1467A variant (also known as c.4399A>G), located in coding exon 16 of the POLQ gene, results from an A to G substitution at nucleotide position 4399. The threonine at codon 1467 is replaced by alanine, an amino acid with similar properties. This amino acid position is conserved. In addition, this alteration is predicted to be tolerated by in silico analysis. Since supporting evidence is limited at this time, the clinical significance of this alteration remains unclear.

NM_199420.4(POLQ):c.4399A>G (p.Thr1467Ala)

Gene: POLQ (DNA polymerase theta; minus strand). Cytogenetic location: 3q13.33.
Variant type: single nucleotide variant.
Coding change: c.4399A>G on transcript NM_199420.4 (MANE Select); coding-DNA position 4399, A replaced by G.
Protein change: p.Thr1467Ala; replaces threonine 1467 with alanine.
Molecular consequence: missense variant.
Genome position (GRCh38, 1-based): chr3:121,488,532, T>C on the plus strand (A>G on the coding strand, the complement: POLQ is on the minus strand). VCF-style: chr3-121488532-T-C. GRCh37 (hg19) VCF-style: chr3-121207379-T-C.
Other names: short protein forms T1467A.
Identifiers: ClinVar variation 3229999 (VCV003229999.1), dbSNP rs2546785940, ClinGen allele CA354095230.